The following is an entry in ClinVar:

NM_003001.5(SDHC):c.239C>T (p.Ala80Val)

Gene: SDHC (succinate dehydrogenase complex subunit C; plus strand). Cytogenetic location: 1q23.3.
Variant type: single nucleotide variant.
Coding change: c.239C>T on transcript NM_003001.5 (MANE Select); coding-DNA position 239, C replaced by T.
Protein change: p.Ala80Val; replaces alanine 80 with valine.
Molecular consequence: missense variant.
Genome position (GRCh38, 1-based): chr1:161,340,653, C>T. VCF-style: chr1-161340653-C-T. GRCh37 (hg19) VCF-style: chr1-161310443-C-T.
Other names: c.239C>T, p.Ala80Val (NM_001035511.3); c.137C>T, p.Ala46Val (NM_001035512.3, NM_001278172.3); c.80C>T, p.Ala27Val (NM_001035513.3); c.359C>T, p.Ala120Val (NM_001407115.1); c.182C>T, p.Ala61Val (NM_001407116.1, NM_001407121.1); c.128C>T, p.Ala43Val (NM_001407119.1, NM_001407120.1); short protein forms A43V, A27V, A61V, A120V, A80V, A46V.
Identifiers: ClinVar variation 1790679 (VCV001790679.2), dbSNP rs1476079486, ClinGen allele CA343366145.

ClinVar aggregate classification (germline): Uncertain significance (1 of 4 stars; one submission).

Conditions:
Hereditary cancer-predisposing syndrome. Also called: Hereditary Cancer Syndrome; Hereditary neoplastic syndrome; Tumor predisposition; Neoplastic Syndromes, Hereditary. Identifiers: Orphanet 140162, MedGen C0027672, MeSH D009386, MONDO:0015356.

gnomAD v4.1: 3 of 1,613,092 alleles (0.00019%); highest among the groups gnomAD compares: East Asian, 0.0022%; no homozygotes.

Submission:

Ambry Genetics
Classification: Uncertain significance for Hereditary cancer-predisposing syndrome. Last evaluated: 2022-07-05. Review status: criteria provided, single submitter. Criteria: Ambry Variant Classification Scheme 2023. Collection method: clinical testing. Allele origin: germline.
Comment: The p.A80V variant (also known as c.239C>T), located in coding exon 4 of the SDHC gene, results from a C to T substitution at nucleotide position 239. The alanine at codon 80 is replaced by valine, an amino acid with similar properties. This amino acid position is conserved. In addition, the in silico prediction for this alteration is inconclusive. Since supporting evidence is limited at this time, the clinical significance of this alteration remains unclear.